The following is an entry in ClinVar:

NM_001365951.3(KIF1B):c.399C>G (p.Asn133Lys)

Genes: KIF1B (kinesin family member 1B; plus strand), LOC129388447 (MPRA-validated peak65 silencer; plus strand). Cytogenetic location: 1p36.22.
Variant type: single nucleotide variant.
Coding change: c.399C>G on transcript NM_001365951.3 (MANE Select); coding-DNA position 399, C replaced by G.
Protein change: p.Asn133Lys; replaces asparagine 133 with lysine.
Molecular consequence: missense variant.
Genome position (GRCh38, 1-based): chr1:10,261,940, C>G. VCF-style: chr1-10261940-C-G. GRCh37 (hg19) VCF-style: chr1-10321998-C-G.
Other names: c.399C>G, p.Asn133Lys (NM_001365952.1, NM_001365953.1, NM_015074.3 and 1 more transcripts); short protein forms N133K.
Identifiers: ClinVar variation 574351 (VCV000574351.13), dbSNP rs996589396, ClinGen allele CA17834095.
Genomic context (GRCh38, chr1:10,261,940, plus strand): 5'-TGCCTCTCTCATTCTACTTCCCTAGTTATGTGAAGAACTTTTTGAGAAAATCAATGACAA[C>G]TGTAATGAAGAAATGTCTTACTCTGTAGAGGTGAGTACAGCCGTGAGTTGACACCGTAAG-3'
Protein context (NP_001352880.1, residues 123-143): CEELFEKIND[Asn133Lys]CNEEMSYSVE

ClinVar aggregate classification (germline): Uncertain significance. Review status: criteria provided, multiple submitters, no conflicts (2 of 4 stars). 2 submissions from 2 submitters: Uncertain significance (2). Last evaluated 2025-11-08.

Conditions:
Charcot-Marie-Tooth disease type 2. Also called: Charcot-Marie-Tooth type 2. Identifiers: Orphanet 64746, MedGen C0270914, MONDO:0018993.

Allele frequency attached by ClinVar (database versions not stated): TOPMed below 0.00001.

Submissions (2):

Ambry Genetics
Classification: Uncertain significance. Last evaluated: 2025-11-08. Review status: criteria provided, single submitter. Criteria: Ambry Variant Classification Scheme 2023. Collection method: clinical testing. Allele origin: germline.
Comment: The p.N133K variant (also known as c.399C>G), located in coding exon 4 of the KIF1B gene, results from a C to G substitution at nucleotide position 399. The asparagine at codon 133 is replaced by lysine, an amino acid with similar properties. This amino acid position is well conserved in available vertebrate species. In addition, this alteration is predicted to be tolerated by in silico analysis. The evidence for this gene-disease relationship is limited; therefore, the clinical significance of this alteration is unclear.

Labcorp Genetics (formerly Invitae), Labcorp
Classification: Uncertain significance for Charcot-Marie-Tooth disease type 2. Last evaluated: 2018-06-29. Review status: criteria provided, single submitter. Criteria: Invitae Variant Classification Sherloc (09022015). Collection method: clinical testing. Allele origin: germline.
Comment: This sequence change replaces asparagine with lysine at codon 133 of the KIF1B protein (p.Asn133Lys). The asparagine residue is moderately conserved and there is a moderate physicochemical difference between asparagine and lysine. This variant is not present in population databases (ExAC no frequency). This variant has not been reported in the literature in individuals with KIF1B-related disease. Algorithms developed to predict the effect of missense changes on protein structure and function (SIFT, PolyPhen-2, Align-GVGD) all suggest that this variant is likely to be tolerated, but these predictions have not been confirmed by published functional studies and their clinical significance is uncertain. In summary, the available evidence is currently insufficient to determine the role of this variant in disease. Therefore, it has been classified as a Variant of Uncertain Significance.